The following is an entry in ClinVar:

NM_000090.4(COL3A1):c.80C>A (p.Ala27Asp)

Gene: COL3A1 (collagen type III alpha 1 chain; plus strand). Cytogenetic location: 2q32.2.
Variant type: single nucleotide variant.
Coding change: c.80C>A on transcript NM_000090.4 (MANE Select); coding-DNA position 80, C replaced by A.
Protein change: p.Ala27Asp; replaces alanine 27 with aspartic acid.
Molecular consequence: missense variant.
Genome position (GRCh38, 1-based): chr2:188,984,760, C>A. VCF-style: chr2-188984760-C-A. GRCh37 (hg19) VCF-style: chr2-189849486-C-A.
Other names: short protein forms A27D.
Identifiers: ClinVar variation 923483 (VCV000923483.3), dbSNP rs759521597, ClinGen allele CA349846776.

ClinVar aggregate classification (germline): Uncertain significance (1 of 4 stars; one submission).

Conditions:
Familial thoracic aortic aneurysm and aortic dissection (TAAD). Also called: Thoracic aortic aneurysms and dissections. Identifiers: Orphanet 91387, MedGen C4707243, MONDO:0019625.

Submission:

Color Diagnostics, LLC DBA Color Health
Classification: Uncertain significance for Familial thoracic aortic aneurysm and aortic dissection. Last evaluated: 2020-03-03. Review status: criteria provided, single submitter. Criteria: ACMG Guidelines, 2015. Collection method: clinical testing. Allele origin: germline.
Comment: This missense variant replaces alanine with aspartic acid at codon 27 of the COL3A1 protein. Computational prediction is inconclusive regarding the impact of this variant on protein structure and function (internally defined REVEL score threshold 0.5 < inconclusive < 0.7, PMID: 27666373). Splice site prediction tools suggest that this variant may not impact RNA splicing. To our knowledge, functional studies have not been reported for this variant. This variant has not been reported in individuals affected with cardiovascular disorders in the literature. This variant has not been identified in the general population by the Genome Aggregation Database (gnomAD). The available evidence is insufficient to determine the role of this variant in disease conclusively. Therefore, this variant is classified as a Variant of Uncertain Significance.